The following is an entry in ClinVar:

NM_004963.4(GUCY2C):c.2468T>C (p.Val823Ala)

Gene: GUCY2C (guanylate cyclase 2C; minus strand). Cytogenetic location: 12p12.3.
Variant type: single nucleotide variant.
Coding change: c.2468T>C on transcript NM_004963.4 (MANE Select); coding-DNA position 2468, T replaced by C.
Protein change: p.Val823Ala; replaces valine 823 with alanine.
Molecular consequence: missense variant.
Genome position (GRCh38, 1-based): chr12:14,622,138, A>G on the plus strand (T>C on the coding strand, the complement: GUCY2C is on the minus strand). VCF-style: chr12-14622138-A-G. GRCh37 (hg19) VCF-style: chr12-14775072-A-G.
Other names: short protein forms V823A.
Identifiers: ClinVar variation 1719005 (VCV001719005.5), dbSNP rs2497619511, ClinGen allele CA383995455.

ClinVar aggregate classification (germline): Uncertain significance (1 of 4 stars; one submission).

Submission:

Labcorp Genetics (formerly Invitae), Labcorp
Classification: Uncertain significance. Last evaluated: 2022-09-07. Review status: criteria provided, single submitter. Criteria: Invitae Variant Classification Sherloc (09022015). Collection method: clinical testing. Allele origin: germline.
Comment: This sequence change replaces valine, which is neutral and non-polar, with alanine, which is neutral and non-polar, at codon 823 of the GUCY2C protein (p.Val823Ala). This variant is not present in population databases (gnomAD no frequency). This variant has not been reported in the literature in individuals affected with GUCY2C-related conditions. Algorithms developed to predict the effect of missense changes on protein structure and function are either unavailable or do not agree on the potential impact of this missense change (SIFT: "Deleterious"; PolyPhen-2: "Probably Damaging"; Align-GVGD: "Class C0"). In summary, the available evidence is currently insufficient to determine the role of this variant in disease. Therefore, it has been classified as a Variant of Uncertain Significance.